The following is an entry in ClinVar:

ClinVar aggregate classification (germline): Uncertain significance (1 of 4 stars; one submission).

Conditions:
Leber congenital amaurosis 12 (LCA12). Identifiers: Orphanet 65, MedGen C1857743, MONDO:0012525, OMIM 610612.

Allele frequency attached by ClinVar (database versions not stated): gnomAD 0.00007; TOPMed 0.00011.

Submission:

Labcorp Genetics (formerly Invitae), Labcorp
Classification: Uncertain significance for Leber congenital amaurosis 12. Last evaluated: 2022-07-29. Review status: criteria provided, single submitter. Criteria: Invitae Variant Classification Sherloc (09022015). Collection method: clinical testing. Allele origin: germline.
Comment: This sequence change replaces alanine, which is neutral and non-polar, with valine, which is neutral and non-polar, at codon 50 of the RD3 protein (p.Ala50Val). This variant is present in population databases (rs140156866, gnomAD 0.01%). This variant has not been reported in the literature in individuals affected with RD3-related conditions. Algorithms developed to predict the effect of missense changes on protein structure and function output the following: SIFT: "Tolerated"; PolyPhen-2: "Benign"; Align-GVGD: "Class C0". The valine amino acid residue is found in multiple mammalian species, which suggests that this missense change does not adversely affect protein function. In summary, the available evidence is currently insufficient to determine the role of this variant in disease. Therefore, it has been classified as a Variant of Uncertain Significance.

NM_001164688.2(RD3):c.149C>T (p.Ala50Val)

Gene: RD3 (RD3 regulator of GUCY2D; minus strand). Cytogenetic location: 1q32.3.
Variant type: single nucleotide variant.
Coding change: c.149C>T on transcript NM_001164688.2 (MANE Select); coding-DNA position 149, C replaced by T.
Protein change: p.Ala50Val; replaces alanine 50 with valine.
Molecular consequence: missense variant.
Genome position (GRCh38, 1-based): chr1:211,481,267, G>A on the plus strand (C>T on the coding strand, the complement: RD3 is on the minus strand). VCF-style: chr1-211481267-G-A. GRCh37 (hg19) VCF-style: chr1-211654609-G-A.
Other names: c.149C>T, p.Ala50Val (NM_183059.3); short protein forms A50V.
Identifiers: ClinVar variation 2199823 (VCV002199823.1), dbSNP rs140156866, ClinGen allele CA1381143.